The following is an entry in ClinVar:

ClinVar aggregate classification (germline): Uncertain significance (1 of 4 stars; one submission).

Conditions:
Cardiovascular phenotype. Identifiers: MedGen CN230736.

gnomAD v4.1: 1 of 1,614,270 alleles (0.000062%); highest among the groups gnomAD compares: Non-Finnish European, 0.000085%; no homozygotes.

Submission:

Ambry Genetics
Classification: Uncertain significance for Cardiovascular phenotype. Last evaluated: 2020-03-16. Review status: criteria provided, single submitter. Criteria: Ambry Variant Classification Scheme 2023. Collection method: clinical testing. Allele origin: germline.
Comment: The p.S14I variant (also known as c.41G>T), located in coding exon 1 of the RIT1 gene, results from a G to T substitution at nucleotide position 41. The serine at codon 14 is replaced by isoleucine, an amino acid with dissimilar properties. This amino acid position is not well conserved in available vertebrate species. In addition, this alteration is predicted to be tolerated by in silico analysis. Since supporting evidence is limited at this time, the clinical significance of this alteration remains unclear.

NM_006912.6(RIT1):c.41G>T (p.Ser14Ile)

Gene: RIT1 (Ras like without CAAX 1; minus strand). Cytogenetic location: 1q22.
Variant type: single nucleotide variant.
Coding change: c.41G>T on transcript NM_006912.6 (MANE Select); coding-DNA position 41, G replaced by T.
Protein change: p.Ser14Ile; replaces serine 14 with isoleucine.
Molecular consequence: missense variant. On other transcripts: intron variant (1).
Genome position (GRCh38, 1-based): chr1:155,910,721, C>A on the plus strand (G>T on the coding strand, the complement: RIT1 is on the minus strand). VCF-style: chr1-155910721-C-A. GRCh37 (hg19) VCF-style: chr1-155880512-C-A.
Other names: c.92G>T, p.Ser31Ile (NM_001256821.2); c.-2-215G>T (NM_001256820.2); short protein forms S14I, S31I.
Identifiers: ClinVar variation 1738648 (VCV001738648.2), dbSNP rs1673577435, ClinGen allele CA342776413.